The following is an entry in ClinVar:

NM_181507.2(HPS5):c.2593C>T (p.Arg865Ter)

Gene: HPS5 (HPS5 biogenesis of lysosomal organelles complex 2 subunit 2; minus strand). Cytogenetic location: 11p15.1.
Variant type: single nucleotide variant.
Coding change: c.2593C>T on transcript NM_181507.2 (MANE Select); coding-DNA position 2593, C replaced by T.
Protein change: p.Arg865Ter; replaces arginine 865 with a stop codon.
Molecular consequence: nonsense.
Genome position (GRCh38, 1-based): chr11:18,287,659, G>A on the plus strand (C>T on the coding strand, the complement: HPS5 is on the minus strand). VCF-style: chr11-18287659-G-A. GRCh37 (hg19) VCF-style: chr11-18309206-G-A.
Other names: c.2251C>T, p.Arg751Ter (NM_007216.4, NM_181508.2); short protein forms R865*, R751*.
Identifiers: ClinVar variation 21818 (VCV000021818.6), dbSNP rs281865104, ClinGen allele CA342553.

ClinVar aggregate classification (germline): Pathogenic. Review status: criteria provided, single submitter (1 of 4 stars). 2 submissions from 2 submitters: Pathogenic (1). 1 of the submissions does not count toward it. Last evaluated 2022-12-29.

Conditions:
Hermansky-Pudlak syndrome 5 (HPS5). Identifiers: Orphanet 231512, Orphanet 79430, MedGen C3888004, MONDO:0013557, OMIM 614074.

Allele frequency attached by ClinVar (database versions not stated): gnomAD exomes 0.00001; ExAC 0.00002.
gnomAD v4.1: 14 of 1,614,136 alleles (0.00087%); highest among the groups gnomAD compares: East Asian, 0.0022%; no homozygotes.

Submissions (2):

Labcorp Genetics (formerly Invitae), Labcorp
Classification: Pathogenic. Last evaluated: 2022-12-29. Review status: criteria provided, single submitter. Criteria: Invitae Variant Classification Sherloc (09022015). Collection method: clinical testing. Allele origin: germline.
Comment: For these reasons, this variant has been classified as Pathogenic. ClinVar contains an entry for this variant (Variation ID: 21818). This premature translational stop signal has been observed in individual(s) with Hermansky-Pudlak syndrome (PMID: 15296495). This variant is present in population databases (rs281865104, gnomAD 0.006%). This sequence change creates a premature translational stop signal (p.Arg865*) in the HPS5 gene. It is expected to result in an absent or disrupted protein product. Loss-of-function variants in HPS5 are known to be pathogenic (PMID: 12548288, 15296495, 21833017, 26785811).

OMIM
Classification: Pathogenic for HERMANSKY-PUDLAK SYNDROME 5. Last evaluated: 2004-09-01. Review status: no assertion criteria provided. Collection method: literature only. Allele origin: germline. Not counted in ClinVar's aggregate classification.

Literature cited by the submitters: PubMed 15296495 (cited by Labcorp Genetics (formerly Invitae), Labcorp and OMIM); PubMed 12548288 (cited by Labcorp Genetics (formerly Invitae), Labcorp); PubMed 21833017 (cited by Labcorp Genetics (formerly Invitae), Labcorp); PubMed 26785811 (cited by Labcorp Genetics (formerly Invitae), Labcorp); PubMed 28296950 (cited by OMIM).